The following is an entry in ClinVar:

NM_005751.5(AKAP9):c.5639G>T (p.Arg1880Leu)

Gene: AKAP9 (A-kinase anchoring protein 9; plus strand). Cytogenetic location: 7q21.2.
Variant type: single nucleotide variant.
Coding change: c.5639G>T on transcript NM_005751.5 (MANE Select); coding-DNA position 5639, G replaced by T.
Protein change: p.Arg1880Leu; replaces arginine 1880 with leucine.
Molecular consequence: missense variant.
Genome position (GRCh38, 1-based): chr7:92,061,297, G>T. VCF-style: chr7-92061297-G-T. GRCh37 (hg19) VCF-style: chr7-91690611-G-T.
Other names: c.284G>T, p.Arg95Leu (NM_001379277.1); c.5639G>T, p.Arg1880Leu (NM_147185.3); short protein forms R95L, R1880L.
Identifiers: ClinVar variation 1748785 (VCV001748785.2), dbSNP rs770002854, ClinGen allele CA368131521.

ClinVar aggregate classification (germline): Uncertain significance (1 of 4 stars; one submission).

Conditions:
Cardiovascular phenotype. Identifiers: MedGen CN230736.

Submission:

Ambry Genetics
Classification: Uncertain significance for Cardiovascular phenotype. Last evaluated: 2022-02-14. Review status: criteria provided, single submitter. Criteria: Ambry Variant Classification Scheme 2023. Collection method: clinical testing. Allele origin: germline.
Comment: The p.R1880L variant (also known as c.5639G>T), located in coding exon 23 of the AKAP9 gene, results from a G to T substitution at nucleotide position 5639. The arginine at codon 1880 is replaced by leucine, an amino acid with dissimilar properties. This amino acid position is conserved. In addition, this alteration is predicted to be tolerated by in silico analysis. Since supporting evidence is limited at this time, the clinical significance of this alteration remains unclear.